The following is an entry in ClinVar:

NM_032409.3(PINK1):c.1225G>A (p.Gly409Arg)

Genes: PINK1 (PTEN induced kinase 1; plus strand), PINK1-AS (PINK1 antisense RNA; minus strand). Cytogenetic location: 1p36.12.
Variant type: single nucleotide variant.
Coding change: c.1225G>A on transcript NM_032409.3 (MANE Select); coding-DNA position 1225, G replaced by A.
Protein change: p.Gly409Arg; replaces glycine 409 with arginine.
Molecular consequence: missense variant. On other transcripts: non-coding transcript variant (1).
Genome position (GRCh38, 1-based): chr1:20,648,606, G>A. VCF-style: chr1-20648606-G-A. GRCh37 (hg19) VCF-style: chr1-20975099-G-A.
Other names: short protein forms G409R.
Identifiers: ClinVar variation 4074345 (VCV004074345.1).

ClinVar aggregate classification (germline): Likely pathogenic (1 of 4 stars; one submission).

gnomAD v4.1: 19 of 1,614,042 alleles (0.0012%); highest among the groups gnomAD compares: Middle Eastern, 0.017%; no homozygotes.

Submission:

GeneDx
Classification: Likely pathogenic. Last evaluated: 2025-02-05. Review status: criteria provided, single submitter. Criteria: GeneDx Variant Classification Process June 2021. Collection method: clinical testing. Allele origin: germline. Affected: yes.
Comment: Published functional studies demonstrate a damaging effect as p.G409R resulted in impaired mitophagy and Parkin translocation (PMID: 34893635); Not observed at significant frequency in large population cohorts (gnomAD); In silico analysis supports that this missense variant has a deleterious effect on protein structure/function; This variant is associated with the following publications: (PMID: 38219528, 26274610, 39294919, 34893635)